The following is an entry in ClinVar:

NM_003906.5(MCM3AP):c.4830_4837del (p.Leu1611fs)

Genes: MCM3AP (minichromosome maintenance complex component 3 associated protein; minus strand), MCM3AP-AS1 (MCM3AP antisense RNA 1; plus strand). Cytogenetic location: 21q22.3.
Variant type: Deletion.
Coding change: c.4830_4837del on transcript NM_003906.5 (MANE Select); coding-DNA positions 4830 to 4837, 8 bases deleted (GCTGTTTA; older notation c.4830_4837delGCTGTTTA).
Protein change: p.Leu1611fs; shifts the reading frame from leucine 1611.
Molecular consequence: frameshift variant.
Genome position (GRCh38, 1-based): chr21:46,245,008-46,245,015, TAAACAGC deleted on the plus strand (GCTGTTTA on the coding strand, the reverse complement: MCM3AP is on the minus strand); deleting any 8 consecutive bases within chr21:46,245,008-46,245,016 gives the same sequence; the c. name uses the placement nearest the transcript's 3' end. VCF-style (leftmost placement, unchanged base first): chr21-46245007-TTAAACAGC-T. GRCh37 (hg19) VCF-style: chr21-47664921-TTAAACAGC-T.
Other names: short protein forms L1611fs.
Identifiers: ClinVar variation 1061288 (VCV001061288.7), dbSNP rs2123827619, ClinGen allele CA2499226002.

ClinVar aggregate classification (germline): Pathogenic (1 of 4 stars; one submission).

Submission:

Labcorp Genetics (formerly Invitae), Labcorp
Classification: Pathogenic. Last evaluated: 2020-11-02. Review status: criteria provided, single submitter. Criteria: Invitae Variant Classification Sherloc (09022015). Collection method: clinical testing. Allele origin: germline.
Comment: For these reasons, this variant has been classified as Pathogenic. This variant has not been reported in the literature in individuals with MCM3AP-related conditions. This variant is not present in population databases (ExAC no frequency). This sequence change creates a premature translational stop signal (p.Leu1611Glnfs*13) in the MCM3AP gene. It is expected to result in an absent or disrupted protein product. Loss-of-function variants in MCM3AP are known to be pathogenic (PMID: 28633435).

Literature cited by the submitters: PubMed 28633435.